The following is an entry in ClinVar:

ClinVar aggregate classification (germline): Uncertain significance. Review status: criteria provided, multiple submitters, no conflicts (2 of 4 stars). 2 submissions from 2 submitters: Uncertain significance (2). Last evaluated 2018-03-01.

Conditions:
Juvenile myoclonic epilepsy (EJM). Also called: JANZ SYNDROME; PETIT MAL, IMPULSIVE. Identifiers: Orphanet 307, MedGen C0270853, MONDO:0009696.
Absence seizure. Also called: Absence epilepsy. Identifiers: Orphanet 1941, MedGen C0014553.

Allele frequency attached by ClinVar (database versions not stated): TOPMed below 0.00001; gnomAD exomes 0.00001.
gnomAD v4.1: 9 of 1,614,166 alleles (0.00056%); highest among the groups gnomAD compares: Non-Finnish European, 0.00076%; no homozygotes.

Submissions (2):

Labcorp Genetics (formerly Invitae), Labcorp
Classification: Uncertain significance for Juvenile myoclonic epilepsy; Epilepsy juvenile absence. Last evaluated: 2018-03-01. Review status: criteria provided, single submitter. Criteria: Invitae Variant Classification Sherloc (09022015). Collection method: clinical testing. Allele origin: germline.
Comment: This sequence change replaces asparagine with lysine at codon 55 of the EFHC1 protein (p.Asn55Lys). The asparagine residue is highly conserved and there is a moderate physicochemical difference between asparagine and lysine. This variant is not present in population databases (ExAC no frequency). This variant has not been reported in the literature in individuals with EFHC1-related disease. Algorithms developed to predict the effect of missense changes on protein structure and function do not agree on the potential impact of this missense change (SIFT: "Deleterious"; PolyPhen-2: "Benign"; Align-GVGD: "Class C35"). In summary, the available evidence is currently insufficient to determine the role of this variant in disease. Therefore, it has been classified as a Variant of Uncertain Significance.

Breakthrough Genomics
Classification: Uncertain significance. Review status: criteria provided, single submitter. Criteria: ACMG Guidelines, 2015. Collection method: not provided. Allele origin: germline. Inheritance: Autosomal dominant inheritance. Affected: yes.

NM_018100.4(EFHC1):c.165C>G (p.Asn55Lys)

Gene: EFHC1 (EF-hand domain containing 1; plus strand). Cytogenetic location: 6p12.2.
Variant type: single nucleotide variant.
Coding change: c.165C>G on transcript NM_018100.4 (MANE Select); coding-DNA position 165, C replaced by G.
Protein change: p.Asn55Lys; replaces asparagine 55 with lysine.
Molecular consequence: missense variant. On other transcripts: non-coding transcript variant (1).
Genome position (GRCh38, 1-based): chr6:52,424,047, C>G. VCF-style: chr6-52424047-C-G. GRCh37 (hg19) VCF-style: chr6-52288845-C-G.
Other names: c.108C>G, p.Asn36Lys (NM_001172420.2); short protein forms N55K, N36K.
Identifiers: ClinVar variation 580362 (VCV000580362.2), dbSNP rs928396576, ClinGen allele CA364456564.